The following is an entry in ClinVar:

ClinVar aggregate classification (germline): Pathogenic (1 of 4 stars; one submission).

Conditions:
Primary ciliary dyskinesia. Also called: Ciliary dyskinesia. Identifiers: Orphanet 244, MedGen C0008780, MONDO:0016575, HP:0012265.

Submission:

Labcorp Genetics (formerly Invitae), Labcorp
Classification: Pathogenic for Primary ciliary dyskinesia. Last evaluated: 2023-05-20. Review status: criteria provided, single submitter. Criteria: Invitae Variant Classification Sherloc (09022015). Collection method: clinical testing. Allele origin: germline.
Comment: For these reasons, this variant has been classified as Pathogenic. Algorithms developed to predict the effect of sequence changes on RNA splicing suggest that this variant may create or strengthen a splice site. This variant has not been reported in the literature in individuals affected with DNAH11-related conditions. This variant is not present in population databases (gnomAD no frequency). This sequence change creates a premature translational stop signal (p.Asn627Trpfs*6) in the DNAH11 gene. It is expected to result in an absent or disrupted protein product. Loss-of-function variants in DNAH11 are known to be pathogenic (PMID: 18022865, 20513915, 22184204).

Literature cited by the submitters: PubMed 18022865; PubMed 20513915; PubMed 22184204.

NM_001277115.2(DNAH11):c.1857_1878dup (p.Asn627delinsTrpSerCysSerSerTer)

Gene: DNAH11 (dynein axonemal heavy chain 11; plus strand). Cytogenetic location: 7p15.3.
Variant type: Duplication.
Coding change: c.1857_1878dup on transcript NM_001277115.2 (MANE Select); coding-DNA positions 1857 to 1878, 22 bases duplicated (TGGTCATGTAGTTCTTAACAAG).
Protein change: p.Asn627delinsTrpSerCysSerSerTer.
Molecular consequence: nonsense. On other transcripts: frameshift variant (1).
Genome position (GRCh38, 1-based): chr7:21,588,520-21,588,541, TGGTCATGTAGTTCTTAACAAG duplicated; duplicating any 22 consecutive bases within chr7:21,588,519-21,588,541 gives the same sequence; the c. name uses the placement nearest the transcript's 3' end. VCF-style (leftmost placement, unchanged base first): chr7-21588518-T-TGTGGTCATGTAGTTCTTAACAA. GRCh37 (hg19) VCF-style: chr7-21628136-T-TGTGGTCATGTAGTTCTTAACAA.
Other names: c.1857_1878dup, p.Asn627Trpfs (NM_003777.3).
Identifiers: ClinVar variation 2998170 (VCV002998170.3), dbSNP rs2534585612, ClinGen allele CA2740097313.